The following is an entry in ClinVar:

ClinVar aggregate classification (germline): Uncertain significance. Review status: criteria provided, multiple submitters, no conflicts (2 of 4 stars). 3 submissions from 3 submitters: Uncertain significance (3). Last evaluated 2023-07-17.

Conditions:
Cardiovascular phenotype. Identifiers: MedGen CN230736.
Cardiomyopathy (CMYO). Also called: Cardiomyopathies. Identifiers: Orphanet 167848, MedGen C0878544, MONDO:0004994, HP:0001638. Inheritance: Various modes of inheritance.
Arrhythmogenic cardiomyopathy with wooly hair and keratoderma. Also called: Arrhythmogenic cardiomyopathy with woolly hair and keratoderma; PALMOPLANTAR KERATODERMA WITH LEFT VENTRICULAR CARDIOMYOPATHY AND WOOLLY HAIR; Carvajal syndrome; Dilated cardiomyopathy with woolly hair and keratoderma. Identifiers: Orphanet 65282, MedGen C1854063, MONDO:0011581, OMIM 605676.

Allele frequency attached by ClinVar (database versions not stated): gnomAD exomes 0.00001; ExAC 0.00002.
gnomAD v4.1: 3 of 1,613,776 alleles (0.00019%); highest among the groups gnomAD compares: Non-Finnish European, 0.00025%; no homozygotes.

Submissions (3):

Color Diagnostics, LLC DBA Color Health
Classification: Uncertain significance for Cardiomyopathy. Last evaluated: 2023-07-17. Review status: criteria provided, single submitter. Criteria: ACMG Guidelines, 2015. Collection method: clinical testing. Allele origin: germline.
Comment: This missense variant replaces glutamic acid with glutamine at codon 558 of the DSP protein. Computational prediction suggests that this variant may not impact protein structure and function (internally defined REVEL score threshold <= 0.5, PMID: 27666373). To our knowledge, functional studies have not been reported for this variant. This variant has not been reported in individuals affected with DSP-related disorders in the literature. This variant has been identified in 2/251208 chromosomes in the general population by the Genome Aggregation Database (gnomAD). The available evidence is insufficient to determine the role of this variant in disease conclusively. Therefore, this variant is classified as a Variant of Uncertain Significance.

All of Us Research Program, National Institutes of Health
Classification: Uncertain significance for Arrhythmogenic cardiomyopathy with wooly hair and keratoderma. Last evaluated: 2023-02-10. Review status: criteria provided, single submitter. Criteria: ACMG Guidelines, 2015. Collection method: clinical testing. Allele origin: germline. Inheritance: Autosomal dominant inheritance. Observed: 1 variant allele, 1 heterozygote.
Comment: This study involves interpretation of variants in research participants for the purpose of population health screening. Participant phenotype was not available at the time of variant classification. Additional details can be found in publication PMID: 35346344, PMCID: PMC8962531

Ambry Genetics
Classification: Uncertain significance for Cardiovascular phenotype. Last evaluated: 2021-09-07. Review status: criteria provided, single submitter. Criteria: Ambry Variant Classification Scheme 2023. Collection method: clinical testing. Allele origin: germline.
Comment: The p.E558Q variant (also known as c.1672G>C), located in coding exon 13 of the DSP gene, results from a G to C substitution at nucleotide position 1672. The glutamic acid at codon 558 is replaced by glutamine, an amino acid with highly similar properties. This amino acid position is conserved. In addition, this alteration is predicted to be tolerated by in silico analysis. Since supporting evidence is limited at this time, the clinical significance of this alteration remains unclear.

NM_004415.4(DSP):c.1672G>C (p.Glu558Gln)

Gene: DSP (desmoplakin; plus strand). Cytogenetic location: 6p24.3.
Variant type: single nucleotide variant.
Coding change: c.1672G>C on transcript NM_004415.4 (MANE Select); coding-DNA position 1672, G replaced by C.
Protein change: p.Glu558Gln; replaces glutamic acid 558 with glutamine.
Molecular consequence: missense variant.
Genome position (GRCh38, 1-based): chr6:7,570,534, G>C. VCF-style: chr6-7570534-G-C. GRCh37 (hg19) VCF-style: chr6-7570767-G-C.
Other names: c.1672G>C, p.Glu558Gln (NM_001008844.3, NM_001319034.2); short protein forms E558Q.
Identifiers: ClinVar variation 1777729 (VCV001777729.5), dbSNP rs774549648, ClinGen allele CA029221.